The following is an entry in ClinVar:

ClinVar aggregate classification (germline): Uncertain significance (1 of 4 stars; one submission).

Conditions:
Hereditary cancer-predisposing syndrome. Also called: Hereditary Cancer Syndrome; Hereditary neoplastic syndrome; Tumor predisposition; Neoplastic Syndromes, Hereditary. Identifiers: Orphanet 140162, MedGen C0027672, MeSH D009386, MONDO:0015356.

Submission:

Ambry Genetics
Classification: Uncertain significance for Hereditary cancer-predisposing syndrome. Last evaluated: 2020-01-28. Review status: criteria provided, single submitter. Criteria: Ambry Variant Classification Scheme 2023. Collection method: clinical testing. Allele origin: germline.
Comment: The c.2388_2390delAGA variant (also known as p.E796del) is located in coding exon 4 of the MSH6 gene. This variant results from an in-frame AGA deletion at nucleotide positions 2388 to 2390. This results in the in-frame deletion of a glutamic acid at codon 796. This amino acid position is highly conserved in available vertebrate species. In addition, this alteration is predicted to be deleterious by in silico analysis (Choi Y et al. PLoS ONE. 2012; 7(10):e46688). Since supporting evidence is limited at this time, the clinical significance of this alteration remains unclear.

NM_000179.3(MSH6):c.2385AGA[1] (p.Glu796del)

Gene: MSH6 (mutS homolog 6; plus strand). Cytogenetic location: 2p16.3.
Variant type: Microsatellite.
Coding change: c.2385AGA[1] on transcript NM_000179.3 (MANE Select); one copy of the 3-base unit AGA starting at c.2385; the reference has two copies in a row; one copy, 3 bases deleted.
Protein change: p.Glu796del; deletes glutamic acid 796.
Molecular consequence: inframe deletion. On other transcripts: inframe indel (35).
Genome position (GRCh38, 1-based): chr2:47,800,371-47,800,373, AGA deleted; deleting any 3 consecutive bases within chr2:47,800,368-47,800,373 gives the same sequence; the position shown is the placement nearest the transcript's 3' end. VCF-style (leftmost placement, unchanged base first): chr2-47800367-TAGA-T. GRCh37 (hg19) VCF-style: chr2-48027506-TAGA-T.
Other names: c.2385_2387AGA[1], p.Glu796del (NM_001406800.1, NM_000179.2, NM_001406796.1 and 3 more transcripts); c.2307_2309AGA[1], p.Glu770del (NM_001406804.1); c.2088_2090AGA[1], p.Glu697del (NM_001406801.1, NM_001406797.1, NM_001406805.1 and 10 more transcripts); c.2481_2483AGA[1], p.Glu828del (NM_001406802.1, NM_001406795.1); c.1995AGA[1], p.Glu666del (NM_001281492.2); c.1479AGA[1], p.Glu494del (NM_001281493.2, NM_001281494.2); c.1860_1862AGA[1], p.Glu621del (NM_001406799.1, NM_001406806.1, NM_001406807.1); c.1479_1481AGA[1], p.Glu494del (NM_001406811.1, NM_001406812.1, NM_001406814.1 and 4 more transcripts); and 3 more; short protein forms E770del, E621del, E666del, E697del, E740del, E828del, E494del, E796del.
Identifiers: ClinVar variation 1790512 (VCV001790512.2), dbSNP rs2530668882, ClinGen allele CA2580611373.